The following is an entry in ClinVar:

ClinVar aggregate classification (germline): Uncertain significance (1 of 4 stars; one submission).

Conditions:
Drash syndrome (DDS). Also called: NEPHROPATHY, WILMS TUMOR, AND GENITAL ANOMALIES; WILMS TUMOR AND PSEUDO- OR TRUE HERMAPHRODITISM. Identifiers: Orphanet 220, MedGen C0950121, MONDO:0008682, OMIM 194080.
Wilms tumor 1 (WT1). Also called: Wilms tumor, somatic. Identifiers: Orphanet 654, MedGen CN033288, MONDO:0008679, OMIM 194070.
11p partial monosomy syndrome (WAGR). Also called: CHROMOSOME 11p13 DELETION SYNDROME; WAGR syndrome; WAGR Complex; WAGR Spectrum Disorder. Identifiers: Orphanet 893, MedGen C0206115, MONDO:0008681, OMIM 194072.
Frasier syndrome. Identifiers: Orphanet 347, MedGen C0950122, MeSH D052159, MONDO:0007635, OMIM 136680.

gnomAD v4.1: 1 of 1,613,586 alleles (0.000062%); no homozygotes.

Submission:

Labcorp Genetics (formerly Invitae), Labcorp
Classification: Uncertain significance for Wilms tumor 1; Drash syndrome; 11p partial monosomy syndrome; Frasier syndrome. Last evaluated: 2023-07-28. Review status: criteria provided, single submitter. Criteria: Invitae Variant Classification Sherloc (09022015). Collection method: clinical testing. Allele origin: germline.
Comment: This sequence change replaces glycine, which is neutral and non-polar, with arginine, which is basic and polar, at codon 317 of the WT1 protein (p.Gly317Arg). This variant is not present in population databases (gnomAD no frequency). This variant has not been reported in the literature in individuals affected with WT1-related conditions. An algorithm developed to predict the effect of missense changes on protein structure and function (PolyPhen-2) suggests that this variant is likely to be disruptive. In summary, the available evidence is currently insufficient to determine the role of this variant in disease. Therefore, it has been classified as a Variant of Uncertain Significance.

NM_024426.6(WT1):c.964G>A (p.Gly322Arg)

Gene: WT1 (WT1 transcription factor; minus strand). Cytogenetic location: 11p13.
Variant type: single nucleotide variant.
Coding change: c.964G>A on transcript NM_024426.6 (MANE Select); coding-DNA position 964, G replaced by A.
Protein change: p.Gly322Arg; replaces glycine 322 with arginine.
Molecular consequence: missense variant. On other transcripts: non-coding transcript variant (2).
Genome position (GRCh38, 1-based): chr11:32,417,578, C>T on the plus strand (G>A on the coding strand, the complement: WT1 is on the minus strand). VCF-style: chr11-32417578-C-T. GRCh37 (hg19) VCF-style: chr11-32439124-C-T.
Other names: c.964G>A, p.Gly322Ser (NM_000378.6, NM_001407045.1, NM_001407048.1 and 1 more transcripts); c.313G>A, p.Gly105Arg (NM_001198551.2); c.313G>A, p.Gly105Ser (NM_001198552.2); c.964G>A, p.Gly322Arg (NM_001407044.1, NM_001407046.1, NM_024424.5); c.841G>A, p.Gly281Arg (NM_001407047.1); c.841G>A, p.Gly281Ser (NM_001407050.1); c.202G>A, p.Gly68Arg (NM_001407051.1); c.949G>A, p.Gly317Ser (NM_024425.2); short protein forms G105R, G322R, G322S, G281S, G281R, G68R, G105S, G317R.
Identifiers: ClinVar variation 2948230 (VCV002948230.3), dbSNP rs2133036645, ClinGen allele CA379961994.